The following is an entry in ClinVar:

ClinVar aggregate classification (germline): Uncertain significance. Review status: criteria provided, multiple submitters, no conflicts (2 of 4 stars). 2 submissions from 2 submitters: Uncertain significance (2). Last evaluated 2025-06-19.

Conditions:
Pitt-Hopkins-like syndrome 2 (PTHSL2). Identifiers: Orphanet 221150, Orphanet 600663, MedGen C3280479, MONDO:0013690, OMIM 614325.

Allele frequency attached by ClinVar (database versions not stated): gnomAD exomes below 0.00001.
gnomAD v4.1: 6 of 1,614,204 alleles (0.00037%); highest among the groups gnomAD compares: Non-Finnish European, 0.00051%; no homozygotes.

Submissions (2):

Labcorp Genetics (formerly Invitae), Labcorp
Classification: Uncertain significance for Pitt-Hopkins-like syndrome 2. Last evaluated: 2025-06-19. Review status: criteria provided, single submitter. Criteria: Invitae Variant Classification Sherloc (09022015). Collection method: clinical testing. Allele origin: germline.
Comment: This sequence change replaces tyrosine, which is neutral and polar, with asparagine, which is neutral and polar, at codon 1252 of the NRXN1 protein (p.Tyr1252Asn). This variant is not present in population databases (gnomAD no frequency). This variant has not been reported in the literature in individuals affected with NRXN1-related conditions. ClinVar contains an entry for this variant (Variation ID: 858034). Invitae Evidence Modeling of protein sequence and biophysical properties (such as structural, functional, and spatial information, amino acid conservation, physicochemical variation, residue mobility, and thermodynamic stability) has been performed for this missense variant. However, the output from this modeling did not meet the statistical confidence thresholds required to predict the impact of this variant on NRXN1 protein function. In summary, the available evidence is currently insufficient to determine the role of this variant in disease. Therefore, it has been classified as a Variant of Uncertain Significance.

Blueprint Genetics
Classification: Uncertain significance. Last evaluated: 2021-09-20. Review status: criteria provided, single submitter. Criteria: ACMG Guidelines, 2015. Collection method: clinical testing. Allele origin: germline.

NM_001330078.2(NRXN1):c.3634T>A (p.Tyr1212Asn)

Gene: NRXN1 (neurexin 1; minus strand). Cytogenetic location: 2p16.3.
Variant type: single nucleotide variant.
Coding change: c.3634T>A on transcript NM_001330078.2 (MANE Select); coding-DNA position 3634, T replaced by A.
Protein change: p.Tyr1212Asn; replaces tyrosine 1212 with asparagine.
Molecular consequence: missense variant.
Genome position (GRCh38, 1-based): chr2:50,091,407, A>T on the plus strand (T>A on the coding strand, the complement: NRXN1 is on the minus strand). VCF-style: chr2-50091407-A-T. GRCh37 (hg19) VCF-style: chr2-50318545-A-T.
Other names: c.3754T>A, p.Tyr1252Asn (NM_001135659.3); c.3610T>A, p.Tyr1204Asn (NM_001330077.2, NM_001330082.2); c.3568T>A, p.Tyr1190Asn (NM_001330083.2, NM_001330084.2); c.3607T>A, p.Tyr1203Asn (NM_001330085.2); c.3634T>A, p.Tyr1212Asn (NM_001330086.2, NM_004801.6); c.3523T>A, p.Tyr1175Asn (NM_001330087.2, NM_001330096.2); c.3553T>A, p.Tyr1185Asn (NM_001330088.2); c.529T>A, p.Tyr177Asn (NM_001330091.2, NM_001330092.2, NM_001330097.2 and 1 more transcripts); and 3 more; short protein forms Y1203N, Y1212N, Y1252N, Y1190N, Y1195N, Y1208N, Y1185N, Y177N.
Identifiers: ClinVar variation 858034 (VCV000858034.8), dbSNP rs1699540315, ClinGen allele CA346819122.